The following is an entry in ClinVar:

NM_172364.5(CACNA2D4):c.1909TTC[1] (p.Phe638del)

Gene: CACNA2D4 (calcium voltage-gated channel auxiliary subunit alpha2delta 4; minus strand). Cytogenetic location: 12p13.33.
Variant type: Microsatellite.
Coding change: c.1909TTC[1] on transcript NM_172364.5 (MANE Select); one copy of the 3-base unit TTC starting at c.1909; the reference has two copies in a row; one copy, 3 bases deleted.
Protein change: p.Phe638del; deletes phenylalanine 638.
Molecular consequence: inframe deletion.
Genome position (GRCh38, 1-based): chr12:1,860,171-1,860,173, GAA deleted on the plus strand (TTC on the coding strand, the reverse complement: CACNA2D4 is on the minus strand); deleting any 3 consecutive bases within chr12:1,860,171-1,860,177 gives the same sequence; the position shown is the placement nearest the transcript's 3' end. VCF-style (leftmost placement, unchanged base first): chr12-1860170-TGAA-T. GRCh37 (hg19) VCF-style: chr12-1969336-TGAA-T.
Other names: short protein forms F638del.
Identifiers: ClinVar variation 1371143 (VCV001371143.6), dbSNP rs752769989, ClinGen allele CA6386947.
Genomic context (GRCh38, chr12:1,860,170, plus strand): 5'-CCTCACCCCGTGCAAATAAAGCCTGTGTCCCTCACCTGAAAGGGGTGTCGCTGATGTCCG[TGAA>T]GAAGTAGTCATTGGTCAGGAAAAGAACTCGCTTCTGAAAGAGTAGACAAGGAAAGAGTGC-3'

ClinVar aggregate classification (germline): Uncertain significance (1 of 4 stars; one submission).

Submission:

Labcorp Genetics (formerly Invitae), Labcorp
Classification: Uncertain significance. Last evaluated: 2021-07-30. Review status: criteria provided, single submitter. Criteria: Invitae Variant Classification Sherloc (09022015). Collection method: clinical testing. Allele origin: germline.
Comment: In summary, the available evidence is currently insufficient to determine the role of this variant in disease. Therefore, it has been classified as a Variant of Uncertain Significance. Experimental studies and prediction algorithms are not available or were not evaluated, and the functional significance of this variant is currently unknown. This variant has not been reported in the literature in individuals affected with CACNA2D4-related conditions. This variant is present in population databases (rs752769989, ExAC 0.002%). This variant, c.1912_1914del, results in the deletion of 1 amino acid(s) of the CACNA2D4 protein (p.Phe638del), but otherwise preserves the integrity of the reading frame.